The following is an entry in ClinVar:

ClinVar aggregate classification (germline): Likely pathogenic (1 of 4 stars; one submission).

Submission:

GeneDx
Classification: Likely pathogenic. Last evaluated: 2018-05-18. Review status: criteria provided, single submitter. Criteria: GeneDx Variant Classification (06012015). Collection method: clinical testing. Allele origin: germline. Affected: yes.
Comment: The G857R variant in the COL4A2 gene has not been reported previously as a pathogenic variant, nor as a benign variant, to our knowledge. The G857R variant is not observed in large population cohorts (Lek et al., 2016). The G857R variant is a non-conservative amino acid substitution, which is likely to impact secondary protein structure as these residues differ in polarity, charge, size and/or other properties. This variant results in the substitution of a Glycine residue in the canonical Gly-X-Y repetitive motif of the triple helical region of the COL4A2 gene. In-silico analyses, including protein predictors and evolutionary conservation, support a deleterious effect. We interpret G857R as a likely pathogenic variant.

NM_001846.4(COL4A2):c.2569G>A (p.Gly857Arg)

Gene: COL4A2 (collagen type IV alpha 2 chain; plus strand). Cytogenetic location: 13q34.
Variant type: single nucleotide variant.
Coding change: c.2569G>A on transcript NM_001846.4 (MANE Select); coding-DNA position 2569, G replaced by A.
Protein change: p.Gly857Arg; replaces glycine 857 with arginine.
Molecular consequence: missense variant.
Genome position (GRCh38, 1-based): chr13:110,478,146, G>A. VCF-style: chr13-110478146-G-A. GRCh37 (hg19) VCF-style: chr13-111130493-G-A.
Other names: short protein forms G857R.
Identifiers: ClinVar variation 546471 (VCV000546471.2), dbSNP rs1555331796, ClinGen allele CA388726081.
Genomic context (GRCh38, chr13:110,478,146, plus strand): 5'-CCTCCAGGACTGCATGGATTCCCAGGAGCTCCTGGCCAAGAGGGGCCCTTGGGGCTGCCA[G>A]GAATCCCAGGCCGTGAAGGTAAGACCCCAGCCCTCCCATAAACGAGTGGGGTCCTCACTG-3'
Protein context (NP_001837.2, residues 847-867): PGQEGPLGLP[Gly857Arg]IPGREGLPGD